The following is an entry in ClinVar:

NM_133510.4(RAD51B):c.167T>A (p.Val56Asp)

Gene: RAD51B (RAD51 paralog B; plus strand). Cytogenetic location: 14q24.1.
Variant type: single nucleotide variant.
Coding change: c.167T>A on transcript NM_133510.4 (MANE Select); coding-DNA position 167, T replaced by A.
Protein change: p.Val56Asp; replaces valine 56 with aspartic acid.
Molecular consequence: missense variant. On other transcripts: 5 prime UTR variant (1).
Genome position (GRCh38, 1-based): chr14:67,825,546, T>A. VCF-style: chr14-67825546-T-A. GRCh37 (hg19) VCF-style: chr14-68292263-T-A.
Other names: c.167T>A, p.Val56Asp (NM_001321809.2, NM_001321810.2, NM_001321812.1 and 6 more transcripts); c.53T>A, p.Val18Asp (NM_001321815.1); c.-289T>A (NM_001321817.2); short protein forms V18D, V56D.
Identifiers: ClinVar variation 4149823 (VCV004149823.1).

ClinVar aggregate classification (germline): Uncertain significance (1 of 4 stars; one submission).

gnomAD v4.1: 2 of 1,612,890 alleles (0.00012%); highest among the groups gnomAD compares: Non-Finnish European, 0.00017%; no homozygotes.

Submission:

Ambry Genetics
Classification: Uncertain significance. Last evaluated: 2025-07-12. Review status: criteria provided, single submitter. Criteria: Ambry Variant Classification Scheme 2023. Collection method: clinical testing. Allele origin: germline.
Comment: The p.V56D variant (also known as c.167T>A), located in coding exon 2 of the RAD51B gene, results from a T to A substitution at nucleotide position 167. The valine at codon 56 is replaced by aspartic acid, an amino acid with highly dissimilar properties. This amino acid position is conserved. In addition, this alteration is predicted to be deleterious by in silico analysis. Based on the available evidence, the clinical significance of this variant remains unclear.